The following is an entry in ClinVar:

NM_001035.3(RYR2):c.4172GAA[1] (p.Arg1392del)

Gene: RYR2 (ryanodine receptor 2; plus strand). Cytogenetic location: 1q43.
Variant type: Microsatellite.
Coding change: c.4172GAA[1] on transcript NM_001035.3 (MANE Select); one copy of the 3-base unit GAA starting at c.4172; the reference has two copies in a row; one copy, 3 bases deleted.
Protein change: p.Arg1392del; deletes arginine 1392.
Genome position (GRCh38, 1-based): chr1:237,591,753-237,591,755, GAA deleted; deleting any 3 consecutive bases within chr1:237,591,749-237,591,755 gives the same sequence; the position shown is the placement nearest the transcript's 3' end. VCF-style (leftmost placement, unchanged base first): chr1-237591748-TAGA-T. GRCh37 (hg19) VCF-style: chr1-237755048-TAGA-T.
Other names: short protein forms R1392del.
Identifiers: ClinVar variation 3670499 (VCV003670499.2).

ClinVar aggregate classification (germline): Uncertain significance (1 of 4 stars; one submission).

Conditions:
Catecholaminergic polymorphic ventricular tachycardia 1. Also called: VENTRICULAR TACHYCARDIA, CATECHOLAMINERGIC POLYMORPHIC, 1, WITH OR WITHOUT ATRIAL DYSFUNCTION AND/OR DILATED CARDIOMYOPATHY; VENTRICULAR TACHYCARDIA, STRESS-INDUCED POLYMORPHIC 1; RYR2-Related Catecholaminergic Polymorphic Ventricular Tachycardia. Identifiers: Orphanet 3286, MedGen C1631597, MONDO:0011484, OMIM 604772.

Submission:

Labcorp Genetics (formerly Invitae), Labcorp
Classification: Uncertain significance for Catecholaminergic polymorphic ventricular tachycardia 1. Last evaluated: 2024-10-07. Review status: criteria provided, single submitter. Criteria: Invitae Variant Classification Sherloc (09022015). Collection method: clinical testing. Allele origin: germline.
Comment: This variant, c.4175_4177del, results in the deletion of 1 amino acid(s) of the RYR2 protein (p.Arg1392del), but otherwise preserves the integrity of the reading frame. This variant is not present in population databases (gnomAD no frequency). This variant has not been reported in the literature in individuals affected with RYR2-related conditions. In summary, the available evidence is currently insufficient to determine the role of this variant in disease. Therefore, it has been classified as a Variant of Uncertain Significance.